The following is an entry in ClinVar:

NC_000014.9:g.(?_77616438)_(77616589_?)del

Gene: SPTLC2 (serine palmitoyltransferase long chain base subunit 2; minus strand). Cytogenetic location: 14q24.3.
Variant type: Deletion.
Identifiers: ClinVar variation 830447 (VCV000830447.7).

ClinVar aggregate classification (germline): Uncertain significance (1 of 4 stars; one submission).

Conditions:
Neuropathy, hereditary sensory and autonomic, type 1C. Also called: HSAN IC; HSN IC. Identifiers: Orphanet 36386, MedGen C3150896, MONDO:0013337, OMIM 613640.

Submission:

Labcorp Genetics (formerly Invitae), Labcorp
Classification: Uncertain significance for Neuropathy, hereditary sensory and autonomic, type 1C. Last evaluated: 2022-06-20. Review status: criteria provided, single submitter. Criteria: Invitae Variant Classification Sherloc (09022015). Collection method: clinical testing. Allele origin: germline.
Comment: In summary, the available evidence is currently insufficient to determine the role of this variant in disease. Therefore, it has been classified as a Variant of Uncertain Significance. This variant has not been reported in the literature in individuals affected with SPTLC2-related conditions. This variant is a gross deletion of the genomic region encompassing exon(s) 1 of the SPTLC2 gene, which includes the initiator codon. This deletion extends beyond the assayed region for this gene and therefore may encompass additional genes. It is expected to result in an absent or disrupted protein product. However, the current clinical and genetic evidence is not sufficient to establish whether loss-of-function variants in SPTLC2 cause disease.